The following is an entry in ClinVar:

NM_175914.5(HNF4A):c.*2297C>A

Gene: HNF4A (hepatocyte nuclear factor 4 alpha; plus strand). Cytogenetic location: 20q13.12.
Variant type: single nucleotide variant.
Coding change: c.*2297C>A on transcript NM_175914.5 (MANE Select); 2297 bases downstream of the stop codon, C replaced by A.
Molecular consequence: 3 prime UTR variant.
Genome position (GRCh38, 1-based): chr20:44,431,962, C>A. VCF-style: chr20-44431962-C-A. GRCh37 (hg19) VCF-style: chr20-43060602-C-A.
Other names: c.*2297C>A (NM_000457.6, NM_001030003.3, NM_001258355.2 and 3 more transcripts).
Identifiers: ClinVar variation 897369 (VCV000897369.5), dbSNP rs1341485123, ClinGen allele CA635972640.

ClinVar aggregate classification (germline): Conflicting classifications of pathogenicity. Review status: criteria provided, conflicting classifications (1 of 4 stars). 3 submissions from 2 submitters: Uncertain significance (2); Benign (1). Last evaluated 2018-01-12.

Conditions:
Maturity-onset diabetes of the young type 1. Also called: MODY type 1; Diabetes mellitus MODY type 1; MODY HNF4A related; MILD JUVENILE DIABETES MELLITUS; HNF4A-Related Maturity-Onset Diabetes of the Young Type 1; MODY, type I. Identifiers: Orphanet 552, MedGen C1852093, MONDO:0007452, OMIM 125850. Disease mechanism: loss of function.
Maturity-onset diabetes of the young (MODY). Also called: Maturity onset diabetes mellitus in young. Identifiers: Orphanet 552, MedGen C0342276, MONDO:0018911, HP:0004904.
Familial hyperinsulinism. Also called: Congenital hyperinsulinism. Identifiers: Orphanet 276525, MedGen C3888018, MONDO:0017182. Disease mechanism: loss of function.

Allele frequency attached by ClinVar (database versions not stated): gnomAD 0.00003 and 0.00004; TOPMed 0.00004.

Submissions (3):

Illumina Laboratory Services, Illumina
Classification: Uncertain significance for Maturity-onset diabetes of the young type 1. Last evaluated: 2018-01-12. Review status: criteria provided, single submitter. Criteria: ICSL Variant Classification Criteria 13 December 2019. Collection method: clinical testing. Allele origin: germline.

Illumina Laboratory Services, Illumina
Classification: Uncertain significance for Familial hyperinsulinism. Last evaluated: 2018-01-12. Review status: criteria provided, single submitter. Criteria: ICSL Variant Classification Criteria 13 December 2019. Collection method: clinical testing. Allele origin: germline.

Clinical Genomics, Uppaluri K&H Personalized Medicine Clinic
Classification: Benign for Maturity-onset diabetes of the young. Review status: criteria provided, single submitter. Criteria: K & H Uppaluri Personalized Medicine Clinic Variant Classification & Assertion Criteria_Updated V.1. Collection method: research. Allele origin: unknown. Inheritance: Autosomal dominant inheritance.
Comment: Potent mutations in HNF4A are associated with poor insulin secretion in response to hyperglycemia. Associated with MODY1. Patients initially respond well to sulfonylureas but eventually become insulin dependent. However, more evidence is required to ascertain the role of this particular variant rs1341485123 in MODY, yet.

Literature cited by the submitters: DOI 10.1159/000334532 (cited by Clinical Genomics, Uppaluri K&H Personalized Medicine Clinic); PubMed 18268044 (cited by Clinical Genomics, Uppaluri K&H Personalized Medicine Clinic); PubMed 17563455 (cited by Clinical Genomics, Uppaluri K&H Personalized Medicine Clinic); PubMed 32583173 (cited by Clinical Genomics, Uppaluri K&H Personalized Medicine Clinic); PubMed 35052457 (cited by Clinical Genomics, Uppaluri K&H Personalized Medicine Clinic); PubMed 35118593 (cited by Clinical Genomics, Uppaluri K&H Personalized Medicine Clinic).